The following is an entry in ClinVar:

ClinVar aggregate classification (germline): Uncertain significance. Review status: criteria provided, multiple submitters, no conflicts (2 of 4 stars). 3 submissions from 3 submitters: Uncertain significance (3). Last evaluated 2026-06-18.

Conditions:
Inborn genetic diseases. Identifiers: MedGen C0950123, MeSH D030342.
RTEL1-related disorder. Also called: RTEL1-related disorders; RTEL1-related condition.
Dyskeratosis congenita, autosomal recessive 5 (DKCB5). Identifiers: MedGen C3554656, MONDO:0014076, OMIM 615190.
Pulmonary fibrosis and/or bone marrow failure, Telomere-related, 3. Also called: PULMONARY FIBROSIS AND/OR BONE MARROW FAILURE SYNDROME, TELOMERE-RELATED, 3. Identifiers: Orphanet 2032, MedGen C4225346, MONDO:0014613, OMIM 616373.

Allele frequency attached by ClinVar (database versions not stated): TOPMed 0.00001.
gnomAD v4.1: 23 of 1,610,786 alleles (0.0014%); highest among the groups gnomAD compares: Non-Finnish European, 0.0019%; no homozygotes.

Submissions (3):

PreventionGenetics, part of Exact Sciences
Classification: Uncertain significance for RTEL1-related condition. Last evaluated: 2026-06-18. Review status: criteria provided, single submitter. Criteria: ACMG Guidelines, 2015. Collection method: clinical testing. Allele origin: germline.
Comment: The RTEL1 c.1874C>T variant is predicted to result in the amino acid substitution p.Thr625Ile. To our knowledge, this variant has not been reported in the literature. This variant is reported in 0.0036% of alleles in individuals of European (Non-Finnish) descent in gnomAD. At this time, the clinical significance of this variant is uncertain due to the absence of conclusive functional and genetic evidence.

Labcorp Genetics (formerly Invitae), Labcorp
Classification: Uncertain significance for Dyskeratosis congenita, autosomal recessive 5; Pulmonary fibrosis and/or bone marrow failure, Telomere-related, 3. Last evaluated: 2024-12-07. Review status: criteria provided, single submitter. Criteria: Invitae Variant Classification Sherloc (09022015). Collection method: clinical testing. Allele origin: germline.
Comment: This sequence change replaces threonine, which is neutral and polar, with isoleucine, which is neutral and non-polar, at codon 601 of the RTEL1 protein (p.Thr601Ile). This variant is present in population databases (no rsID available, gnomAD 0.004%). This variant has not been reported in the literature in individuals affected with RTEL1-related conditions. ClinVar contains an entry for this variant (Variation ID: 3156809). An algorithm developed to predict the effect of missense changes on protein structure and function (PolyPhen-2) suggests that this variant is likely to be tolerated. In summary, the available evidence is currently insufficient to determine the role of this variant in disease. Therefore, it has been classified as a Variant of Uncertain Significance.

Ambry Genetics
Classification: Uncertain significance for Inborn genetic diseases. Last evaluated: 2024-01-08. Review status: criteria provided, single submitter. Criteria: Ambry Variant Classification Scheme 2023. Collection method: clinical testing. Allele origin: germline.

NM_001283009.2(RTEL1):c.1802C>T (p.Thr601Ile)

Genes: RTEL1 (regulator of telomere elongation helicase 1; plus strand), RTEL1-TNFRSF6B (RTEL1-TNFRSF6B readthrough (NMD candidate); plus strand). Cytogenetic location: 20q13.33.
Variant type: single nucleotide variant.
Coding change: c.1802C>T on transcript NM_001283009.2 (MANE Select); coding-DNA position 1802, C replaced by T.
Protein change: p.Thr601Ile; replaces threonine 601 with isoleucine.
Molecular consequence: missense variant. On other transcripts: non-coding transcript variant (1).
Genome position (GRCh38, 1-based): chr20:63,689,056, C>T. VCF-style: chr20-63689056-C-T. GRCh37 (hg19) VCF-style: chr20-62320409-C-T.
Other names: c.1133C>T, p.Thr378Ile (NM_001283010.1); c.1802C>T, p.Thr601Ile (NM_016434.4); c.1874C>T, p.Thr625Ile (NM_032957.5); short protein forms T601I, T378I, T625I.
Identifiers: ClinVar variation 3156809 (VCV003156809.4), dbSNP rs948832357, ClinGen allele CA317512095.